The following is an entry in ClinVar:

ClinVar aggregate classification (germline): Likely pathogenic (1 of 4 stars; one submission).

Conditions:
Hereditary spherocytosis type 2. Also called: SPHEROCYTOSIS, TYPE 2, AUTOSOMAL DOMINANT. Identifiers: Orphanet 822, MedGen C2674219, MONDO:0000913, OMIM 616649.

Submission:

3billion
Classification: Likely pathogenic for Hereditary spherocytosis type 2. Last evaluated: 2022-01-03. Review status: criteria provided, single submitter. Criteria: ACMG Guidelines, 2015. Collection method: clinical testing. Allele origin: germline. Affected: yes. Observed: 1 heterozygote.
Comment: Stop-gained (nonsense): predicted to result in a loss or disruption of normal protein function through nonsense-mediated decay (NMD) or protein truncation. Multiple pathogenic variants are reported downstream of the variant (PVS1_VS). It is not observed in the gnomAD v2.1.1 dataset (PM2_M). Therefore, this variant is classified as likely pathogenic according to the recommendation of ACMG/AMP guideline.

NM_001355436.2(SPTB):c.5446A>T (p.Lys1816Ter)

Gene: SPTB (spectrin beta, erythrocytic; minus strand). Cytogenetic location: 14q23.3.
Variant type: single nucleotide variant.
Coding change: c.5446A>T on transcript NM_001355436.2 (MANE Select); coding-DNA position 5446, A replaced by T.
Protein change: p.Lys1816Ter; replaces lysine 1816 with a stop codon.
Molecular consequence: nonsense.
Genome position (GRCh38, 1-based): chr14:64,772,687, T>A on the plus strand (A>T on the coding strand, the complement: SPTB is on the minus strand). VCF-style: chr14-64772687-T-A. GRCh37 (hg19) VCF-style: chr14-65239405-T-A.
Other names: c.5446A>T, p.Lys1816Ter (NM_001024858.4, NM_001355437.2); short protein forms K1816*.
Identifiers: ClinVar variation 1333304 (VCV001333304.1), dbSNP rs1480466529, ClinGen allele CA390040882.